The following is an entry in ClinVar:

ClinVar aggregate classification (germline): Benign/Likely benign. Review status: criteria provided, multiple submitters, no conflicts (2 of 4 stars). 3 submissions from 2 submitters: Benign (1); Likely benign (2). Last evaluated 2019-01-25.

Conditions:
Usher syndrome type 2D. Also called: USHER SYNDROME, TYPE IID. Identifiers: Orphanet 231178, Orphanet 886, MedGen C1568249, MONDO:0012662, OMIM 611383.
Autosomal recessive nonsyndromic hearing loss 31. Also called: WHIRLER, MOUSE, HOMOLOG OF. Identifiers: Orphanet 90636, MedGen C1846839, MONDO:0011767, OMIM 607084.

Allele frequency attached by ClinVar (database versions not stated): gnomAD exomes 0.00141; 1000 Genomes Project 0.01338; gnomAD 0.01381 and 0.01478; 1000 Genomes Project 30x 0.01499; TOPMed 0.01571.
gnomAD v4.1: 2,417 of 365,922 alleles (0.66%); highest among the groups gnomAD compares: African/African-American, 4.7%; 51 homozygotes.

Submissions (3):

GeneDx
Classification: Likely benign. Last evaluated: 2019-01-25. Review status: criteria provided, single submitter. Criteria: GeneDx Variant Classification Process June 2021. Collection method: clinical testing. Allele origin: germline. Affected: yes.

Illumina Laboratory Services, Illumina
Classification: Benign for Usher syndrome type 2D. Last evaluated: 2018-01-13. Review status: criteria provided, single submitter. Criteria: ICSL Variant Classification Criteria 13 December 2019. Collection method: clinical testing. Allele origin: germline.
Comment: This variant was observed in the ICSL laboratory as part of a predisposition screen in an ostensibly healthy population. It had not been previously curated by ICSL or reported in the Human Gene Mutation Database (HGMD: prior to June 1st, 2018), and was therefore a candidate for classification through an automated scoring system. Utilizing variant allele frequency, disease prevalence and penetrance estimates, and inheritance mode, an automated score was calculated to assess if this variant is too frequent to cause the disease. Based on the score and internal cut-off values, a variant classified as benign is not then subjected to further curation. The score for this variant resulted in a classification of benign for this disease.

Illumina Laboratory Services, Illumina
Classification: Likely benign for Autosomal recessive nonsyndromic hearing loss 31. Last evaluated: 2018-01-13. Review status: criteria provided, single submitter. Criteria: ICSL Variant Classification Criteria 13 December 2019. Collection method: clinical testing. Allele origin: germline.
Comment: This variant was observed in the ICSL laboratory as part of a predisposition screen in an ostensibly healthy population. It had not been previously curated by ICSL or reported in the Human Gene Mutation Database (HGMD: prior to June 1st, 2018), and was therefore a candidate for classification through an automated scoring system. Utilizing variant allele frequency, disease prevalence and penetrance estimates, and inheritance mode, an automated score was calculated to assess if this variant is too frequent to cause the disease. Based on the score and internal cut-off values, a variant classified as likely benign is not then subjected to further curation. The score for this variant resulted in a classification of likely benign for this disease.

NM_015404.4(WHRN):c.-295C>G

Gene: WHRN (whirlin; minus strand). Cytogenetic location: 9q32.
Variant type: single nucleotide variant.
Coding change: c.-295C>G on transcript NM_015404.4 (MANE Select); 295 bases upstream of the start codon, C replaced by G.
Molecular consequence: 5 prime UTR variant.
Genome position (GRCh38, 1-based): chr9:114,505,096, G>C on the plus strand (C>G on the coding strand, the complement: WHRN is on the minus strand). VCF-style: chr9-114505096-G-C. GRCh37 (hg19) VCF-style: chr9-117267376-G-C.
Other names: c.-295C>G (NM_001173425.2).
Identifiers: ClinVar variation 364703 (VCV000364703.8), dbSNP rs7861589, ClinGen allele CA10632097.